The following is an entry in ClinVar:

NM_015375.3(DSTYK):c.1044C>G (p.His348Gln)

Gene: DSTYK (dual serine/threonine and tyrosine protein kinase; minus strand). Cytogenetic location: 1q32.1.
Variant type: single nucleotide variant.
Coding change: c.1044C>G on transcript NM_015375.3 (MANE Select); coding-DNA position 1044, C replaced by G.
Protein change: p.His348Gln; replaces histidine 348 with glutamine.
Molecular consequence: missense variant.
Genome position (GRCh38, 1-based): chr1:205,169,443, G>C on the plus strand (C>G on the coding strand, the complement: DSTYK is on the minus strand). VCF-style: chr1-205169443-G-C. GRCh37 (hg19) VCF-style: chr1-205138571-G-C.
Other names: c.1044C>G, p.His348Gln (NM_199462.3); short protein forms H348Q.
Identifiers: ClinVar variation 2880821 (VCV002880821.3), dbSNP rs745431742, ClinGen allele CA1352919.
Genomic context (GRCh38, chr1:205,169,443, plus strand): 5'-GTGGCAGTGCACCAGGTTCAGGGCCTTGGCTGCATCCACCAGGCGAGTCTGTAACACCTG[G>C]TGAGAAAATGTGCTCAAGTGTCTCAGCTTTTCACTCTGTTCCACCAACATGCTCTGAGCT-3'
Protein context (NP_056190.1, residues 338-358): EKLRHLSTFS[His348Gln]QVLQTRLVDA

ClinVar aggregate classification (germline): Uncertain significance (1 of 4 stars; one submission).

Allele frequency attached by ClinVar (database versions not stated): gnomAD exomes below 0.00001; ExAC 0.00001.
gnomAD v4.1: 1 of 1,614,162 alleles (0.000062%); highest among the groups gnomAD compares: Admixed American, 0.0017%; no homozygotes.

Submission:

Labcorp Genetics (formerly Invitae), Labcorp
Classification: Uncertain significance. Last evaluated: 2022-12-05. Review status: criteria provided, single submitter. Criteria: Invitae Variant Classification Sherloc (09022015). Collection method: clinical testing. Allele origin: germline.
Comment: This sequence change replaces histidine, which is basic and polar, with glutamine, which is neutral and polar, at codon 348 of the DSTYK protein (p.His348Gln). This variant is present in population databases (rs745431742, gnomAD 0.006%). This variant has not been reported in the literature in individuals affected with DSTYK-related conditions. Algorithms developed to predict the effect of missense changes on protein structure and function output the following: SIFT: "Tolerated"; PolyPhen-2: "Benign"; Align-GVGD: "Class C0". The glutamine amino acid residue is found in multiple mammalian species, which suggests that this missense change does not adversely affect protein function. In summary, the available evidence is currently insufficient to determine the role of this variant in disease. Therefore, it has been classified as a Variant of Uncertain Significance.